The following is an entry in ClinVar:

NM_020719.3(PRR12):c.5437G>A (p.Gly1813Arg)

Gene: PRR12 (proline rich 12; plus strand). Cytogenetic location: 19q13.33.
Variant type: single nucleotide variant.
Coding change: c.5437G>A on transcript NM_020719.3 (MANE Select); coding-DNA position 5437, G replaced by A.
Protein change: p.Gly1813Arg; replaces glycine 1813 with arginine.
Molecular consequence: missense variant.
Genome position (GRCh38, 1-based): chr19:49,616,159, G>A. VCF-style: chr19-49616159-G-A. GRCh37 (hg19) VCF-style: chr19-50119416-G-A.
Other names: short protein forms G1813R.
Identifiers: ClinVar variation 2650272 (VCV002650272.25), dbSNP rs575045686, ClinGen allele CA9578683.

ClinVar aggregate classification (germline): Likely benign. Review status: criteria provided, multiple submitters, no conflicts (2 of 4 stars). 2 submissions from 2 submitters: Likely benign (2). Last evaluated 2026-02-01.

Allele frequency attached by ClinVar (database versions not stated): TOPMed 0.00020; gnomAD 0.00029; 1000 Genomes Project 30x 0.00031; 1000 Genomes Project 0.00040; gnomAD exomes 0.00041; ExAC 0.00135.
gnomAD v4.1: 622 of 1,561,102 alleles (0.04%); highest among the groups gnomAD compares: Middle Eastern, 0.45%; 3 homozygotes.

Submissions (2):

CeGaT Center for Human Genetics Tuebingen
Classification: Likely benign. Last evaluated: 2026-02-01. Review status: criteria provided, single submitter. Criteria: CeGaT Center For Human Genetics Tuebingen Variant Classification Criteria Version 2. Collection method: clinical testing. Allele origin: germline. Affected: yes. Observed: 4 variant alleles.
Comment: PRR12: BS1

Blueprint Genetics
Classification: Likely benign. Last evaluated: 2024-11-15. Review status: criteria provided, single submitter. Criteria: ACMG Guidelines, 2015. Collection method: clinical testing. Allele origin: germline.